The following is an entry in ClinVar:

NM_006329.4(FBLN5):c.251A>G (p.Tyr84Cys)

Gene: FBLN5 (fibulin 5; minus strand). Cytogenetic location: 14q32.12.
Variant type: single nucleotide variant.
Coding change: c.251A>G on transcript NM_006329.4 (MANE Select); coding-DNA position 251, A replaced by G.
Protein change: p.Tyr84Cys; replaces tyrosine 84 with cysteine.
Molecular consequence: missense variant.
Genome position (GRCh38, 1-based): chr14:91,937,075, T>C on the plus strand (A>G on the coding strand, the complement: FBLN5 is on the minus strand). VCF-style: chr14-91937075-T-C. GRCh37 (hg19) VCF-style: chr14-92403419-T-C.
Other names: c.374A>G, p.Tyr125Cys (NM_001384158.1); c.302A>G, p.Tyr101Cys (NM_001384159.1); c.251A>G, p.Tyr84Cys (NM_001384160.1); c.83A>G, p.Tyr28Cys (NM_001384161.1, NM_001384162.1); short protein forms Y84C, Y101C, Y125C, Y28C.
Identifiers: ClinVar variation 314880 (VCV000314880.6), dbSNP rs886050889, ClinGen allele CA10641284.
Genomic context (GRCh38, chr14:91,937,075, plus strand): 5'-TAGTTTGGAGCTGAGAGTGGTGGGGCAGCTGCTGGGTACGGACCTGAGTAGGGGGTCGAG[T>C]AGGGGTTCGAGTAGGGCCCTCGATACACAGGGTTTGTCCGGGGAATGCATAAATACCCGC-3'
Protein context (NP_006320.2, residues 74-94): PVYRGPYSNP[Tyr84Cys]STPYSGPYPA

ClinVar aggregate classification (germline): Uncertain significance. Review status: criteria provided, multiple submitters, no conflicts (2 of 4 stars). 3 submissions from 2 submitters: Uncertain significance (3). Last evaluated 2025-03-05.

Conditions:
Cutis laxa. Identifiers: Orphanet 209, MedGen C0010495, MONDO:0016175, HP:0000973.
Macular degeneration, age-related, 3 (ARMD3). Identifiers: Orphanet 280598, MedGen C1837187, MONDO:0012145, OMIM 608895.

Allele frequency attached by ClinVar (database versions not stated): gnomAD 0.00001; TOPMed 0.00001.
gnomAD v4.1: 5 of 1,613,274 alleles (0.00031%); highest among the groups gnomAD compares: Non-Finnish European, 0.00042%; no homozygotes.

Submissions (3):

Labcorp Genetics (formerly Invitae), Labcorp
Classification: Uncertain significance. Last evaluated: 2025-03-05. Review status: criteria provided, single submitter. Criteria: Invitae Variant Classification Sherloc (09022015). Collection method: clinical testing. Allele origin: germline.
Comment: This sequence change replaces tyrosine, which is neutral and polar, with cysteine, which is neutral and slightly polar, at codon 84 of the FBLN5 protein (p.Tyr84Cys). This variant is not present in population databases (gnomAD no frequency). This variant has not been reported in the literature in individuals affected with FBLN5-related conditions. ClinVar contains an entry for this variant (Variation ID: 314880). An algorithm developed to predict the effect of missense changes on protein structure and function (PolyPhen-2) suggests that this variant is likely to be tolerated. In summary, the available evidence is currently insufficient to determine the role of this variant in disease. Therefore, it has been classified as a Variant of Uncertain Significance.

Illumina Laboratory Services, Illumina
Classification: Uncertain significance for Cutis laxa. Last evaluated: 2018-01-13. Review status: criteria provided, single submitter. Criteria: ICSL Variant Classification Criteria 13 December 2019. Collection method: clinical testing. Allele origin: germline.

Illumina Laboratory Services, Illumina
Classification: Uncertain significance for Macular degeneration, age-related, 3. Last evaluated: 2018-01-13. Review status: criteria provided, single submitter. Criteria: ICSL Variant Classification Criteria 13 December 2019. Collection method: clinical testing. Allele origin: germline.